The following is an entry in ClinVar:

ClinVar aggregate classification (germline): Uncertain significance. Review status: criteria provided, multiple submitters, no conflicts (2 of 4 stars). 2 submissions from 2 submitters: Uncertain significance (2). Last evaluated 2026-07-24.

Conditions:
CEP290-related disorder. Also called: CEP290-related condition; CEP290-related disorders. Identifiers: MedGen CN239314.
Nephronophthisis. Also called: Juvenile Nephronophthisis. Identifiers: Orphanet 655, MedGen C0687120, MONDO:0019005, HP:0000090.
Meckel-Gruber syndrome. Also called: DYSENCEPHALIA SPLANCHNOCYSTICA; GRUBER SYNDROME; Dysencephalia splachnocystica. Identifiers: Orphanet 564, MedGen C0265215, MONDO:0018921.
Joubert syndrome. Also called: JOUBERT-BOLTSHAUSER SYNDROME; Familial aplasia of the vermis. Identifiers: Orphanet 475, MedGen C5979921, MONDO:0018772.

Allele frequency attached by ClinVar (database versions not stated): gnomAD exomes below 0.00001; TOPMed 0.00001.

Submissions (2):

PreventionGenetics, part of Exact Sciences
Classification: Uncertain significance for CEP290-related condition. Last evaluated: 2026-07-24. Review status: criteria provided, single submitter. Criteria: ACMG Guidelines, 2015. Collection method: clinical testing. Allele origin: germline.
Comment: The CEP290 c.1052T>C variant is predicted to result in the amino acid substitution p.Met351Thr. To our knowledge, this variant has not been reported in the literature or in a large population database (gnomAD), indicating this variant is rare. At this time, the clinical significance of this variant is uncertain due to the absence of conclusive functional and genetic evidence.

Labcorp Genetics (formerly Invitae), Labcorp
Classification: Uncertain significance for Joubert syndrome; Meckel-Gruber syndrome; Nephronophthisis. Last evaluated: 2026-01-24. Review status: criteria provided, single submitter. Criteria: Invitae Variant Classification Sherloc (09022015). Collection method: clinical testing. Allele origin: germline.
Comment: This sequence change replaces methionine, which is neutral and non-polar, with threonine, which is neutral and polar, at codon 351 of the CEP290 protein (p.Met351Thr). This variant is not present in population databases (gnomAD no frequency). This variant has not been reported in the literature in individuals affected with CEP290-related conditions. ClinVar contains an entry for this variant (Variation ID: 1421654). Invitae Evidence Modeling of protein sequence and biophysical properties (such as structural, functional, and spatial information, amino acid conservation, physicochemical variation, residue mobility, and thermodynamic stability) indicates that this missense variant is not expected to disrupt CEP290 protein function with a negative predictive value of 80%. In summary, the available evidence is currently insufficient to determine the role of this variant in disease. Therefore, it has been classified as a Variant of Uncertain Significance.

NM_025114.4(CEP290):c.1052T>C (p.Met351Thr)

Gene: CEP290 (centrosomal protein 290; minus strand). Cytogenetic location: 12q21.32.
Variant type: single nucleotide variant.
Coding change: c.1052T>C on transcript NM_025114.4 (MANE Select); coding-DNA position 1052, T replaced by C.
Protein change: p.Met351Thr; replaces methionine 351 with threonine.
Molecular consequence: missense variant.
Genome position (GRCh38, 1-based): chr12:88,126,329, A>G on the plus strand (T>C on the coding strand, the complement: CEP290 is on the minus strand). VCF-style: chr12-88126329-A-G. GRCh37 (hg19) VCF-style: chr12-88520106-A-G.
Other names: c.1052T>C (NM_025114.3); short protein forms M351T.
Identifiers: ClinVar variation 1421654 (VCV001421654.6), dbSNP rs1415965131, ClinGen allele CA385982645.